The following is an entry in ClinVar:

NM_003072.5(SMARCA4):c.3897C>T (p.Asp1299=)

Gene: SMARCA4 (SWI/SNF related BAF chromatin remodeling complex subunit ATPase 4; plus strand). Cytogenetic location: 19p13.2.
Variant type: single nucleotide variant.
Coding change: c.3897C>T on transcript NM_003072.5 (MANE Select); coding-DNA position 3897, C replaced by T.
Protein change: p.Asp1299=; no amino-acid change (aspartic acid 1299 retained).
Molecular consequence: synonymous variant. On other transcripts: non-coding transcript variant (1).
Genome position (GRCh38, 1-based): chr19:11,034,146, C>T. VCF-style: chr19-11034146-C-T. GRCh37 (hg19) VCF-style: chr19-11144822-C-T.
Other names: c.3897C>T, p.Asp1299= (NM_001128844.3, NM_001128849.3, NM_001387283.1); c.3798C>T, p.Asp1266= (NM_001128845.2, NM_001128846.2, NM_001128847.4 and 2 more transcripts).
Identifiers: ClinVar variation 415104 (VCV000415104.44), dbSNP rs768987283, ClinGen allele CA9204560.
Genomic context (GRCh38, chr19:11,034,146, plus strand): 5'-CCCTCCTCAGCGGCACTGACAGTTTGCAATCTTATAGGAGGAAGACGAGGTGCCCGACGA[C>T]GAGACCGTCAACCAGATGATCGCCCGGCACGAGGAGGAGTTTGATCTGTTCATGGTAAGC-3'
Protein context (NP_003063.2, residues 1289-1309): PLKEEDEVPD[Asp1299=]ETVNQMIARH

ClinVar aggregate classification (germline): Benign/Likely benign. Review status: criteria provided, multiple submitters, no conflicts (2 of 4 stars). 8 submissions from 8 submitters: Benign (1); Likely benign (6). 1 of the submissions does not count toward it. Last evaluated 2026-07-15.

Conditions:
SMARCA4-related disorder. Also called: SMARCA4-related condition.
Hereditary cancer-predisposing syndrome. Also called: Hereditary Cancer Syndrome; Hereditary neoplastic syndrome; Neoplastic Syndromes, Hereditary; Tumor predisposition. Identifiers: Orphanet 140162, MedGen C0027672, MeSH D009386, MONDO:0015356.
Rhabdoid tumor predisposition syndrome 2 (RTPS2). Identifiers: Orphanet 231108, Orphanet 69077, MedGen C2750074, MONDO:0013224, OMIM 613325.

Allele frequency attached by ClinVar (database versions not stated): gnomAD 0.00004; gnomAD exomes 0.00004 and 0.00002; TOPMed 0.00005; ExAC 0.00006.
gnomAD v4.1: 36 of 1,613,660 alleles (0.0022%); highest among the groups gnomAD compares: Admixed American, 0.013%; no homozygotes.

Submissions (8):

Myriad Genetics, Inc.
Classification: Benign for Rhabdoid tumor predisposition syndrome 2. Last evaluated: 2026-07-15. Review status: criteria provided, single submitter. Criteria: Myriad Autosomal Dominant, Autosomal Recessive and X-Linked Classification Criteria (2023). Collection method: clinical testing. Allele origin: unknown.
Comment: This variant is considered benign. This variant is a silent/synonymous amino acid change and it is not expected to impact splicing.

Labcorp Genetics (formerly Invitae), Labcorp
Classification: Likely benign for Rhabdoid tumor predisposition syndrome 2. Last evaluated: 2026-01-11. Review status: criteria provided, single submitter. Criteria: Invitae Variant Classification Sherloc (09022015). Collection method: clinical testing. Allele origin: germline.

ARUP Laboratories, Molecular Genetics and Genomics, ARUP Laboratories
Classification: Likely benign. Last evaluated: 2024-10-22. Review status: criteria provided, single submitter. Criteria: ARUP Molecular Germline Variant Investigation Process 2024. Collection method: clinical testing. Allele origin: germline.

Blueprint Genetics
Classification: Likely benign. Last evaluated: 2024-07-10. Review status: criteria provided, single submitter. Criteria: ACMG Guidelines, 2015. Collection method: clinical testing. Allele origin: germline.

CeGaT Center for Human Genetics Tuebingen
Classification: Likely benign. Last evaluated: 2022-05-01. Review status: criteria provided, single submitter. Criteria: CeGaT Center For Human Genetics Tuebingen Variant Classification Criteria Version 2. Collection method: clinical testing. Allele origin: germline. Affected: yes. Observed: 1 variant allele.
Comment: SMARCA4: BP4, BP7

Sema4
Classification: Likely benign for Hereditary cancer-predisposing syndrome. Last evaluated: 2021-07-12. Review status: criteria provided, single submitter. Criteria: Sema4 Curation Guidelines. Collection method: curation. Allele origin: germline.

Ambry Genetics
Classification: Likely benign for Hereditary cancer-predisposing syndrome. Last evaluated: 2017-05-16. Review status: criteria provided, single submitter. Criteria: Ambry Variant Classification Scheme 2023. Collection method: clinical testing. Allele origin: germline.

PreventionGenetics, part of Exact Sciences
Classification: Likely benign for SMARCA4-related condition. Last evaluated: 2020-02-21. Review status: no assertion criteria provided. Collection method: clinical testing. Allele origin: germline. Not counted in ClinVar's aggregate classification.
Comment: This variant is classified as likely benign based on ACMG/AMP sequence variant interpretation guidelines (Richards et al. 2015 PMID: 25741868, with internal and published modifications).